The following is an entry in ClinVar:

ClinVar aggregate classification (germline): Likely benign. Review status: criteria provided, multiple submitters, no conflicts (2 of 4 stars). 3 submissions from 3 submitters: Likely benign (3). Last evaluated 2025-05-28.

Conditions:
FLVCR1-related disorder. Also called: FLVCR1-related condition.

Allele frequency attached by ClinVar (database versions not stated): TOPMed below 0.00001; gnomAD 0.00001.
gnomAD v4.1: 4 of 1,613,512 alleles (0.00025%); highest among the groups gnomAD compares: Non-Finnish European, 0.00034%; no homozygotes.

Submissions (3):

PreventionGenetics, part of Exact Sciences
Classification: Likely benign for FLVCR1-related condition. Last evaluated: 2025-05-28. Review status: criteria provided, single submitter. Criteria: ACMG Guidelines, 2015. Collection method: clinical testing. Allele origin: germline.
Comment: This variant is classified as likely benign based on ACMG/AMP sequence variant interpretation guidelines (Richards et al. 2015 PMID: 25741868, with internal and published modifications).

Labcorp Genetics (formerly Invitae), Labcorp
Classification: Likely benign. Last evaluated: 2022-03-02. Review status: criteria provided, single submitter. Criteria: Invitae Variant Classification Sherloc (09022015). Collection method: clinical testing. Allele origin: germline.

Blueprint Genetics
Classification: Likely benign. Last evaluated: 2021-09-10. Review status: criteria provided, single submitter. Criteria: ACMG Guidelines, 2015. Collection method: clinical testing. Allele origin: germline.

NM_014053.4(FLVCR1):c.306G>T (p.Ala102=)

Gene: FLVCR1 (FLVCR choline and heme transporter 1; plus strand). Cytogenetic location: 1q32.3.
Variant type: single nucleotide variant.
Coding change: c.306G>T on transcript NM_014053.4 (MANE Select); coding-DNA position 306, G replaced by T.
Protein change: p.Ala102=; no amino-acid change (alanine 102 retained).
Molecular consequence: synonymous variant.
Genome position (GRCh38, 1-based): chr1:212,858,758, G>T. VCF-style: chr1-212858758-G-T. GRCh37 (hg19) VCF-style: chr1-213032100-G-T.
Other names: c.306G>T (NM_014053.3).
Identifiers: ClinVar variation 1648199 (VCV001648199.10), dbSNP rs1164572739, ClinGen allele CA423422752.
Genomic context (GRCh38, chr1:212,858,758, plus strand): 5'-GCCTGCGGGCGCGGGAGCTGAGACCCCGGGGGCCGAGAGCAGCCCGCTGCCCCTTACGGC[G>T]CTCTCCCCGCGGCGCTTCGTGGTGCTCCTGATCTTCAGCCTGTACTCGCTGGTCAACGCC-3'
Protein context (NP_054772.1, residues 92-112): GAESSPLPLT[Ala102=]LSPRRFVVLL